The following is an entry in ClinVar:

ClinVar aggregate classification (germline): Conflicting classifications of pathogenicity. Review status: criteria provided, conflicting classifications (1 of 4 stars). 2 submissions from 2 submitters: Uncertain significance (1); Likely benign (1). Last evaluated 2024-03-12.

Allele frequency attached by ClinVar (database versions not stated): gnomAD exomes 0.00001; gnomAD 0.00002; ExAC 0.00003.
gnomAD v4.1: 14 of 1,589,798 alleles (0.00088%); highest among the groups gnomAD compares: Middle Eastern, 0.023%; no homozygotes.

Submissions (2):

Blueprint Genetics
Classification: Likely benign. Last evaluated: 2024-03-12. Review status: criteria provided, single submitter. Criteria: ACMG Guidelines, 2015. Collection method: clinical testing. Allele origin: germline.

GeneDx
Classification: Uncertain significance. Last evaluated: 2022-09-15. Review status: criteria provided, single submitter. Criteria: GeneDx Variant Classification Process June 2021. Collection method: clinical testing. Allele origin: germline. Affected: yes.
Comment: In silico analysis supports a deleterious effect on splicing; Has not been previously published as pathogenic or benign to our knowledge

NM_001009944.3(PKD1):c.9737G>A (p.Arg3246Gln)

Gene: PKD1 (polycystin 1, transient receptor potential channel interacting; minus strand). Cytogenetic location: 16p13.3.
Variant type: single nucleotide variant.
Coding change: c.9737G>A on transcript NM_001009944.3 (MANE Select); coding-DNA position 9737, G replaced by A.
Protein change: p.Arg3246Gln; replaces arginine 3246 with glutamine.
Molecular consequence: missense variant.
Genome position (GRCh38, 1-based): chr16:2,100,047, C>T on the plus strand (G>A on the coding strand, the complement: PKD1 is on the minus strand). VCF-style: chr16-2100047-C-T. GRCh37 (hg19) VCF-style: chr16-2150048-C-T.
Other names: c.9737G>A, p.Arg3246Gln (NM_000296.4); short protein forms R3246Q.
Identifiers: ClinVar variation 2444716 (VCV002444716.2), dbSNP rs781673852, ClinGen allele CA7829927.
Genomic context (GRCh38, chr16:2,100,047, plus strand): 5'-ATGGAGAGCCAGATGTGCTTGTCAAAGAAGCCACGCTGCAGCTCAGCCACCAGCAGGCGC[C>T]GGAAGCGCAAAAGGGCTGCGTCGCCTAGAAGGCAGGGAGGGCCGCACTGCAGGAGGCCAC-3'
Protein context (NP_001009944.3, residues 3236-3256): AASDAALLRF[Arg3246Gln]RLLVAELQRG